The following is an entry in ClinVar:

ClinVar aggregate classification (germline): Uncertain significance (1 of 4 stars; one submission).

Submission:

Labcorp Genetics (formerly Invitae), Labcorp
Classification: Uncertain significance. Last evaluated: 2025-07-13. Review status: criteria provided, single submitter. Criteria: Invitae Variant Classification Sherloc (09022015). Collection method: clinical testing. Allele origin: germline.
Comment: This sequence change replaces arginine, which is basic and polar, with glycine, which is neutral and non-polar, at codon 851 of the COL7A1 protein (p.Arg851Gly). This variant is not present in population databases (gnomAD no frequency). This variant has not been reported in the literature in individuals affected with COL7A1-related conditions. Invitae Evidence Modeling of protein sequence and biophysical properties (such as structural, functional, and spatial information, amino acid conservation, physicochemical variation, residue mobility, and thermodynamic stability) indicates that this missense variant is not expected to disrupt COL7A1 protein function with a negative predictive value of 95%. In summary, the available evidence is currently insufficient to determine the role of this variant in disease. Therefore, it has been classified as a Variant of Uncertain Significance.

NM_000094.4(COL7A1):c.2551C>G (p.Arg851Gly)

Gene: COL7A1 (collagen type VII alpha 1 chain; minus strand). Cytogenetic location: 3p21.31.
Variant type: single nucleotide variant.
Coding change: c.2551C>G on transcript NM_000094.4 (MANE Select); coding-DNA position 2551, C replaced by G.
Protein change: p.Arg851Gly; replaces arginine 851 with glycine.
Molecular consequence: missense variant.
Genome position (GRCh38, 1-based): chr3:48,588,678, G>C on the plus strand (C>G on the coding strand, the complement: COL7A1 is on the minus strand). VCF-style: chr3-48588678-G-C. GRCh37 (hg19) VCF-style: chr3-48626111-G-C.
Other names: short protein forms R851G.
Identifiers: ClinVar variation 4747763 (VCV004747763.1).
Genomic context (GRCh38, chr3:48,588,678, plus strand): 5'-CTCTCCAGCGCATGCTCTGCCTACGCGTAGTGACAACAATGGAGACAGGTGTGCCCTCGC[G>C]GTCCCCGACAAGTGCAGTCACTCGCACTGAGTAGCTGACTCCACCTTCGAGACCCCGGAT-3'
Protein context (NP_000085.1, residues 841-861): SVRVTALVGD[Arg851Gly]EGTPVSIVVT